The following is an entry in ClinVar:

ClinVar aggregate classification (germline): Conflicting classifications of pathogenicity. Review status: criteria provided, conflicting classifications (1 of 4 stars). 5 submissions from 5 submitters: Uncertain significance (1); Likely benign (2). 2 of the submissions do not count toward it. Last evaluated 2026-01-14.

Conditions:
CPS1-related disorder. Also called: CPS1-related condition.
Congenital hyperammonemia, type I. Also called: Carbamoyl phosphate synthetase 1 deficiency; Hyperammonemia due to carbamoyl phosphate synthetase 1 deficiency; CPS 1 deficiency; Carbamyl phosphate synthetase (CPS) deficiency; Carbamoyl phosphate synthetase I deficiency disease; Carbamoyl-phosphate synthase I deficiency. Identifiers: Orphanet 147, MedGen C4082171, MONDO:0009376, OMIM 237300.

Allele frequency attached by ClinVar (database versions not stated): gnomAD exomes 0.00013 and 0.00040; ExAC 0.00052; gnomAD 0.00151 and 0.00154; TOPMed 0.00159; ESP Exome Variant Server 0.00215; 1000 Genomes Project 0.00280; 1000 Genomes Project 30x 0.00281.
gnomAD v4.1: 432 of 1,612,368 alleles (0.027%); highest among the groups gnomAD compares: African/African-American, 0.5%; 1 homozygote.

Submissions (5):

Labcorp Genetics (formerly Invitae), Labcorp
Classification: Likely benign for Congenital hyperammonemia, type I. Last evaluated: 2026-01-14. Review status: criteria provided, single submitter. Criteria: Invitae Variant Classification Sherloc (09022015). Collection method: clinical testing. Allele origin: germline.

Revvity Omics, Revvity
Classification: Uncertain significance for Congenital hyperammonemia, type I. Last evaluated: 2021-11-17. Review status: criteria provided, single submitter. Criteria: ACMG Guidelines, 2015. Collection method: clinical testing. Allele origin: germline.

Breakthrough Genomics
Classification: Likely benign. Review status: criteria provided, single submitter. Criteria: ACMG Guidelines, 2015. Collection method: not provided. Allele origin: germline. Inheritance: Autosomal recessive inheritance. Affected: yes.

PreventionGenetics, part of Exact Sciences
Classification: Likely benign for CPS1-related condition. Last evaluated: 2022-03-28. Review status: no assertion criteria provided. Collection method: clinical testing. Allele origin: germline. Not counted in ClinVar's aggregate classification.
Comment: This variant is classified as likely benign based on ACMG/AMP sequence variant interpretation guidelines (Richards et al. 2015 PMID: 25741868, with internal and published modifications).

Natera, Inc.
Classification: Likely benign for Carbamoyl-phosphate synthase I deficiency. Last evaluated: 2020-06-05. Review status: no assertion criteria provided. Collection method: clinical testing. Allele origin: germline. Not counted in ClinVar's aggregate classification.

NM_001875.5(CPS1):c.1630A>T (p.Thr544Ser)

Gene: CPS1 (carbamoyl-phosphate synthase 1; plus strand). Cytogenetic location: 2q34.
Variant type: single nucleotide variant.
Coding change: c.1630A>T on transcript NM_001875.5 (MANE Select); coding-DNA position 1630, A replaced by T.
Protein change: p.Thr544Ser; replaces threonine 544 with serine.
Molecular consequence: missense variant. On other transcripts: non-coding transcript variant (2).
Genome position (GRCh38, 1-based): chr2:210,600,635, A>T. VCF-style: chr2-210600635-A-T. GRCh37 (hg19) VCF-style: chr2-211465359-A-T.
Other names: c.1630A>T, p.Thr544Ser (NM_001122633.3, NM_001369257.1); c.1663A>T, p.Thr555Ser (NM_001369256.1); short protein forms T544S, T555S.
Identifiers: ClinVar variation 203648 (VCV000203648.18), dbSNP rs144230667, ClinGen allele CA312390.
Genomic context (GRCh38, chr2:210,600,635, plus strand): 5'-GGTGTGCTCAAGGAATATGGTGTGAAAGTCCTGGGAACTTCAGTTGAGTCCATTATGGCT[A>T]CGGAAGACAGGCAGCTGTTTTCAGATAAACTAAATGAGATCAATGAAAAGATTGCTCCAA-3'
Protein context (NP_001866.2, residues 534-554): LGTSVESIMA[Thr544Ser]EDRQLFSDKL